The following is an entry in ClinVar:

ClinVar aggregate classification (germline): Pathogenic (1 of 4 stars; one submission).

Submission:

ISCA Site 6
Classification: Pathogenic. Last evaluated: 2011-08-12. Review status: criteria provided, single submitter. Criteria: Kaminsky et al. (Genet Med. 2011). Collection method: clinical testing. Allele origin: unknown. Affected: yes. Observed: 1 variant allele.
Comment: Copy number variation identified through the course of routine clinical cytogenomic testing in postnatal populations. Clinical assertions have been curated as described in Kaminsky et al. 2011.

GRCh38/hg38 1p36.33-36.32(chr1:1482278-3152536)x1

Genes: ACTRT2 (actin related protein T2; plus strand), ATAD3A (ATPase family AAA domain containing 3A; plus strand), ATAD3B (ATPase family AAA domain containing 3B; plus strand), CALML6 (calmodulin like 6; plus strand), CDK11A (cyclin dependent kinase 11A; minus strand) and 122 more. Cytogenetic location: 1p36.33-36.32.
Variant type: copy number loss.
Change: copy number 1 (one copy instead of two) of chr1:1,482,278-3,152,536 (1.67 Mb, GRCh38 coordinates, 1-based), cytogenetic band 1p36.33-36.32.
Identifiers: ClinVar variation 58319 (VCV000058319.2).